The following is an entry in ClinVar:

ClinVar aggregate classification (germline): Uncertain significance. Review status: criteria provided, multiple submitters, no conflicts (2 of 4 stars). 2 submissions from 2 submitters: Uncertain significance (2). Last evaluated 2025-05-20.

Allele frequency attached by ClinVar (database versions not stated): ExAC 0.00001; gnomAD 0.00001; TOPMed 0.00003; ESP Exome Variant Server 0.00008.
gnomAD v4.1: 52 of 1,613,704 alleles (0.0032%); highest among the groups gnomAD compares: Non-Finnish European, 0.0043%; no homozygotes.

Submissions (2):

Ambry Genetics
Classification: Uncertain significance. Last evaluated: 2025-05-20. Review status: criteria provided, single submitter. Criteria: Ambry Variant Classification Scheme 2023. Collection method: clinical testing. Allele origin: germline.

Labcorp Genetics (formerly Invitae), Labcorp
Classification: Uncertain significance. Last evaluated: 2023-02-16. Review status: criteria provided, single submitter. Criteria: Invitae Variant Classification Sherloc (09022015). Collection method: clinical testing. Allele origin: germline.
Comment: In summary, the available evidence is currently insufficient to determine the role of this variant in disease. Therefore, it has been classified as a Variant of Uncertain Significance. An algorithm developed to predict the effect of missense changes on protein structure and function (PolyPhen-2) suggests that this variant is likely to be tolerated. This variant has not been reported in the literature in individuals affected with ABCD3-related conditions. This variant is present in population databases (rs368011782, gnomAD 0.003%). This sequence change replaces valine, which is neutral and non-polar, with alanine, which is neutral and non-polar, at codon 564 of the ABCD3 protein (p.Val564Ala).

NM_002858.4(ABCD3):c.1691T>C (p.Val564Ala)

Gene: ABCD3 (ATP binding cassette subfamily D member 3; plus strand). Cytogenetic location: 1p21.3.
Variant type: single nucleotide variant.
Coding change: c.1691T>C on transcript NM_002858.4 (MANE Select); coding-DNA position 1691, T replaced by C.
Protein change: p.Val564Ala; replaces valine 564 with alanine.
Molecular consequence: missense variant.
Genome position (GRCh38, 1-based): chr1:94,499,565, T>C. VCF-style: chr1-94499565-T-C. GRCh37 (hg19) VCF-style: chr1-94965121-T-C.
Other names: c.1691T>C (NM_002858.3); short protein forms V564A.
Identifiers: ClinVar variation 2784143 (VCV002784143.4), dbSNP rs368011782, ClinGen allele CA960512.
Genomic context (GRCh38, chr1:94,499,565, plus strand): 5'-AATACTTAGACAATGTCCAGTTGGGTCATATCCTTGAACGTGAAGGAGGCTGGGACAGTG[T>C]TCAGGATTGGATGGACGTACTCAGTGGTGGAGAAAAGCAAAGAATGGCGGTAAGTATACT-3'
Protein context (NP_002849.1, residues 554-574): ILEREGGWDS[Val564Ala]QDWMDVLSGG